The following is an entry in ClinVar:

NM_001384900.1(SEMA3D):c.2129G>T (p.Arg710Leu)

Genes: SEMA3D (semaphorin 3D; minus strand), LOC126860094 (BRD4-independent group 4 enhancer GRCh37_chr7:84628763-84629962; plus strand). Cytogenetic location: 7q21.11.
Variant type: single nucleotide variant.
Coding change: c.2129G>T on transcript NM_001384900.1 (MANE Select); coding-DNA position 2129, G replaced by T.
Protein change: p.Arg710Leu; replaces arginine 710 with leucine.
Molecular consequence: missense variant.
Genome position (GRCh38, 1-based): chr7:84,999,645, C>A on the plus strand (G>T on the coding strand, the complement: SEMA3D is on the minus strand). VCF-style: chr7-84999645-C-A. GRCh37 (hg19) VCF-style: chr7-84628961-C-A.
Other names: c.2129G>T, p.Arg710Leu (NM_001384901.1, NM_001384902.1, NM_001384903.1 and 1 more transcripts); short protein forms R710L.
Identifiers: ClinVar variation 4979568 (VCV004979568.1).

ClinVar aggregate classification (germline): Uncertain significance (1 of 4 stars; one submission).

Conditions:
SEMA3D-related disorder. Also called: SEMA3D-related condition.

gnomAD v4.1: 13 of 1,613,862 alleles (0.00081%); highest among the groups gnomAD compares: Middle Eastern, 0.016%; no homozygotes.

Submission:

PreventionGenetics, part of Exact Sciences
Classification: Uncertain significance for SEMA3D-related condition. Last evaluated: 2025-09-24. Review status: criteria provided, single submitter. Criteria: ACMG Guidelines, 2015. Collection method: clinical testing. Allele origin: germline.
Comment: The SEMA3D c.2129G>T variant is predicted to result in the amino acid substitution p.Arg710Leu. To our knowledge, this variant has not been reported in the literature. This variant is reported in 0.0039% of alleles in individuals of European (Non-Finnish) descent in gnomAD. At this time, the clinical significance of this variant is uncertain due to the absence of conclusive functional and genetic evidence.